The following is an entry in ClinVar:

ClinVar aggregate classification (germline): Likely benign. Review status: criteria provided, multiple submitters, no conflicts (2 of 4 stars). 2 submissions from 2 submitters: Likely benign (2). Last evaluated 2025-12-12.

Conditions:
Inborn genetic diseases. Identifiers: MedGen C0950123, MeSH D030342.
DNMT3A-related disorder. Also called: DNMT3A-related disorders; DNMT3A-related condition.

gnomAD v4.1: 6 of 1,614,128 alleles (0.00037%); highest among the groups gnomAD compares: African/African-American, 0.008%; no homozygotes.

Submissions (2):

PreventionGenetics, part of Exact Sciences
Classification: Likely benign for DNMT3A-related condition. Last evaluated: 2025-12-12. Review status: criteria provided, single submitter. Criteria: ACMG Guidelines, 2015. Collection method: clinical testing. Allele origin: germline.
Comment: This variant is classified as likely benign based on ACMG/AMP sequence variant interpretation guidelines (Richards et al. 2015 PMID: 25741868, with internal and published modifications).

Ambry Genetics
Classification: Likely benign for Inborn genetic diseases. Last evaluated: 2025-04-24. Review status: criteria provided, single submitter. Criteria: Ambry Variant Classification Scheme 2023. Collection method: clinical testing. Allele origin: germline.

NM_022552.5(DNMT3A):c.2136C>T (p.Asp712=)

Gene: DNMT3A (DNA methyltransferase 3 alpha; minus strand). Cytogenetic location: 2p23.3.
Variant type: single nucleotide variant.
Coding change: c.2136C>T on transcript NM_022552.5 (MANE Select); coding-DNA position 2136, C replaced by T.
Protein change: p.Asp712=; no amino-acid change (aspartic acid 712 retained).
Molecular consequence: synonymous variant. On other transcripts: non-coding transcript variant (1).
Genome position (GRCh38, 1-based): chr2:25,240,677, G>A on the plus strand (C>T on the coding strand, the complement: DNMT3A is on the minus strand). VCF-style: chr2-25240677-G-A. GRCh37 (hg19) VCF-style: chr2-25463546-G-A.
Other names: c.1680C>T, p.Asp560= (NM_001320893.1); c.1467C>T, p.Asp489= (NM_001375819.1); c.1569C>T, p.Asp523= (NM_153759.3); c.2136C>T, p.Asp712= (NM_175629.2).
Identifiers: ClinVar variation 4013919 (VCV004013919.2).